The following is an entry in ClinVar:

ClinVar aggregate classification (germline): Likely pathogenic (1 of 4 stars; one submission).

Conditions:
Imerslund-Grasbeck syndrome. Also called: ENTEROCYTE COBALAMIN MALABSORPTION; ENTEROCYTE INTRINSIC FACTOR RECEPTOR, DEFECT OF; PERNICIOUS ANEMIA, JUVENILE, DUE TO SELECTIVE INTESTINAL MALABSORPTION OF VITAMIN B12, WITH PROTEINURIA; Imerslund-Gräsbeck syndrome; Megaloblastic anemia due to inborn errors of metabolism. Identifiers: Orphanet 35858, MedGen C4551825, MONDO:0009853.

Allele frequency attached by ClinVar (database versions not stated): gnomAD exomes 0.00001; ExAC 0.00002; gnomAD 0.00003; 1000 Genomes Project 30x 0.00016; 1000 Genomes Project 0.00020.
gnomAD v4.1: 20 of 1,614,182 alleles (0.0012%); highest among the groups gnomAD compares: Non-Finnish European, 0.00076%; no homozygotes.

Submission:

Labcorp Genetics (formerly Invitae), Labcorp
Classification: Likely pathogenic for Imerslund-Grasbeck syndrome. Last evaluated: 2024-01-01. Review status: criteria provided, single submitter. Criteria: Invitae Variant Classification Sherloc (09022015). Collection method: clinical testing. Allele origin: germline.
Comment: This sequence change affects a donor splice site in intron 9 of the CUBN gene. It is expected to disrupt RNA splicing. Variants that disrupt the donor or acceptor splice site typically lead to a loss of protein function (PMID: 16199547), and loss-of-function variants in CUBN are known to be pathogenic (PMID: 15024727, 22929189, 25349199, 31613795, 34979989). This variant is present in population databases (rs192997971, gnomAD 0.02%). This variant has not been reported in the literature in individuals affected with CUBN-related conditions. Algorithms developed to predict the effect of sequence changes on RNA splicing suggest that this variant may disrupt the consensus splice site. In summary, the currently available evidence indicates that the variant is pathogenic, but additional data are needed to prove that conclusively. Therefore, this variant has been classified as Likely Pathogenic.

Literature cited by the submitters: PubMed 16199547; PubMed 15024727; PubMed 22929189; PubMed 25349199; PubMed 31613795; PubMed 34979989.

NM_001081.4(CUBN):c.1015+1G>A

Gene: CUBN (cubilin; minus strand). Cytogenetic location: 10p13.
Variant type: single nucleotide variant.
Coding change: c.1015+1G>A on transcript NM_001081.4 (MANE Select); the canonical splice donor site of the intron after coding-DNA position 1015, G replaced by A.
Molecular consequence: splice donor variant.
Genome position (GRCh38, 1-based): chr10:17,110,918, C>T on the plus strand (G>A on the coding strand, the complement: CUBN is on the minus strand). VCF-style: chr10-17110918-C-T. GRCh37 (hg19) VCF-style: chr10-17152917-C-T.
Identifiers: ClinVar variation 2801603 (VCV002801603.3), dbSNP rs192997971, ClinGen allele CA5425451.